The following is an entry in ClinVar:

ClinVar aggregate classification (germline): Conflicting classifications of pathogenicity. Review status: criteria provided, conflicting classifications (1 of 4 stars). 6 submissions from 6 submitters: Uncertain significance (4); Likely benign (2). Last evaluated 2025-12-03.

Conditions:
Long QT syndrome (LQTS). Identifiers: MedGen C0023976, MeSH D008133, MONDO:0002442. Disease mechanism: loss of function. Inheritance: Various modes of inheritance.
Cardiovascular phenotype. Identifiers: MedGen CN230736.
Syndromic disease. Identifiers: MedGen C0039082, MONDO:0002254.
KCNJ8-related disorder. Also called: KCNJ8-related condition.
Brugada syndrome. Also called: Sudden unexpected nocturnal death syndrome; Sudden unexplained nocturnal death syndrome; Sudden Unexplained Death Syndrome; Sudden Unexplained Nocturnal Death Syndrome (SUNDS). Identifiers: Orphanet 130, MedGen C1142166, MONDO:0015263.

Allele frequency attached by ClinVar (database versions not stated): gnomAD 0.00021 and 0.00019; gnomAD exomes 0.00024 and 0.00030; 1000 Genomes Project 30x 0.00031; ESP Exome Variant Server 0.00015; TOPMed 0.00019; 1000 Genomes Project 0.00020; ExAC 0.00031.
gnomAD v4.1: 402 of 1,614,240 alleles (0.025%); highest among the groups gnomAD compares: Middle Eastern, 0.13%; 1 homozygote.

Submissions (6):

Labcorp Genetics (formerly Invitae), Labcorp
Classification: Uncertain significance for Brugada syndrome. Last evaluated: 2025-12-03. Review status: criteria provided, single submitter. Criteria: Invitae Variant Classification Sherloc (09022015). Collection method: clinical testing. Allele origin: germline.
Comment: This sequence change replaces alanine, which is neutral and non-polar, with glycine, which is neutral and non-polar, at codon 88 of the KCNJ8 protein (p.Ala88Gly). This variant is present in population databases (rs117808169, gnomAD 0.05%), and has an allele count higher than expected for a pathogenic variant. This missense change has been observed in individual(s) with KCNJ8-related conditions (PMID: 25998140, 28750076). ClinVar contains an entry for this variant (Variation ID: 190832). Invitae Evidence Modeling of protein sequence and biophysical properties (such as structural, functional, and spatial information, amino acid conservation, physicochemical variation, residue mobility, and thermodynamic stability) indicates that this missense variant is not expected to disrupt KCNJ8 protein function with a negative predictive value of 80%. In summary, the available evidence is currently insufficient to determine the role of this variant in disease. Therefore, it has been classified as a Variant of Uncertain Significance.

Dept of Medical Biology, Uskudar University
Classification: Uncertain significance for Long QT syndrome. Last evaluated: 2024-01-08. Review status: criteria provided, single submitter. Criteria: Dept of Medical Biology Variant Classification. Collection method: research. Allele origin: maternal. Affected: yes. Observed: 1 variant allele.
Comment: Criteria: BS1, PP2

Ambry Genetics
Classification: Likely benign for Cardiovascular phenotype. Last evaluated: 2023-10-29. Review status: criteria provided, single submitter. Criteria: Ambry Variant Classification Scheme 2023. Collection method: clinical testing. Allele origin: germline.

Department of Pathology and Laboratory Medicine, Sinai Health System
Classification: Uncertain significance for KCNJ8-related disorder. Last evaluated: 2022-07-04. Review status: criteria provided, single submitter. Criteria: ACMG Guidelines, 2015. Collection method: research. Allele origin: germline.

GeneDx
Classification: Uncertain significance. Last evaluated: 2022-05-13. Review status: criteria provided, single submitter. Criteria: GeneDx Variant Classification Process June 2021. Collection method: clinical testing. Allele origin: germline. Affected: yes.
Comment: Reported in a patient with atrioventricular nodal re-entrant tachycardia and concealed Brugada sign on ECG (Hasdemir et al., 2015); Identified independently and in conjunction with additional variants in individuals referred for cardiac genetic testing at GeneDx; segregation data are absent at this time; In silico analysis supports that this missense variant does not alter protein structure/function; Variants in candidate genes are classified as variants of uncertain significance in accordance with ACMG guidelines (Richards et al., 2015); This variant is associated with the following publications: (PMID: 25998140)

Victorian Clinical Genetics Services, Murdoch Childrens Research Institute
Classification: Likely benign for Syndromic disease. Last evaluated: 2020-10-19. Review status: criteria provided, single submitter. Criteria: ACMG Guidelines, 2015. Collection method: clinical testing. Allele origin: germline. Inheritance: Autosomal dominant inheritance.
Comment: Based on the classification scheme VCGS_Germline_v1.3.3, this variant is classified as likely benign. Following criteria are met: 0105 - The mechanism of disease for this gene is not clearly established. Limited evidence for a gene-disease association, with few variants reported and with conflicting conclusions. (I) 0107 - This gene is associated with autosomal dominant disease. Limited evidence for a gene-disease association, with few variants reported. There is no disease associated with this gene in OMIM. (I) 0200 - Variant is predicted to result in a missense amino acid change from alanine to glycine. (I) 0251 - This variant is heterozygous. (I) 0302 - Variant is present in gnomAD (v2.1.1) <0.001 for a dominant condition. 0.000286 (81 heterozygotes, 0 homozygotes). (SP) 0502 - Missense variant with conflicting in silico predictions and uninformative conservation. Minor amino acid change, high conservation. (I) 0600 - Variant is located in the Inward rectifier potassium channel transmembrane domain (DECIPHER, RCSB PDB, NCBI_Conserved domains). (I) 0705 - No comparable missense variants have previous evidence for pathogenicity. (I) 0809 - Previous evidence of pathogenicity for this variant is inconclusive. ClinVar: VUSx2, LOVD3: Likely benign x1. PMID: 25998140: A patient with atrioventricular nodal re-entrant tachycardia (AVNT) and concealed Brugada syndrome. PMID: 28750076: A patient with HCM who also had a pathogenic variant in MYBPC3 and several other variants in other cardiac genes. (I) 0905 - No published segregation evidence has been identified for this variant. (I) 1007 - No published functional evidence has been identified for this variant. (I) 1208 - Inheritance information for this variant is not currently available in this individual. (I) Legend: (SP) - Supporting Pathogenic, (I) – Information, (SB) – Supporting Benign

Literature cited by the submitters: PubMed 25998140 (cited by 3 submitters); PubMed 28750076 (cited by 3 submitters).

NM_004982.4(KCNJ8):c.263C>G (p.Ala88Gly)

Genes: KCNJ8 (potassium inwardly rectifying channel subfamily J member 8; minus strand), KCNJ8-AS1 (KCNJ8 antisense RNA 1; plus strand). Cytogenetic location: 12p12.1.
Variant type: single nucleotide variant.
Coding change: c.263C>G on transcript NM_004982.4 (MANE Select); coding-DNA position 263, C replaced by G.
Protein change: p.Ala88Gly; replaces alanine 88 with glycine.
Molecular consequence: missense variant.
Genome position (GRCh38, 1-based): chr12:21,773,354, G>C on the plus strand (C>G on the coding strand, the complement: KCNJ8 is on the minus strand). VCF-style: chr12-21773354-G-C. GRCh37 (hg19) VCF-style: chr12-21926288-G-C.
Other names: p.A88G:GCT>GGT; short protein forms A88G.
Identifiers: ClinVar variation 190832 (VCV000190832.22), dbSNP rs117808169, ClinGen allele CA302102.